The following is an entry in ClinVar:

ClinVar aggregate classification (germline): Pathogenic (1 of 4 stars; one submission).

Conditions:
Generalized epilepsy with febrile seizures plus, type 9 (GEFSP9). Also called: GEFS+, TYPE 9. Identifiers: Orphanet 36387, MedGen C4015395, MONDO:0014517, OMIM 616172.

Submission:

Labcorp Genetics (formerly Invitae), Labcorp
Classification: Pathogenic for Generalized epilepsy with febrile seizures plus, type 9. Last evaluated: 2020-12-14. Review status: criteria provided, single submitter. Criteria: Invitae Variant Classification Sherloc (09022015). Collection method: clinical testing. Allele origin: germline.
Comment: For these reasons, this variant has been classified as Pathogenic. Algorithms developed to predict the effect of sequence changes on RNA splicing suggest that this variant may disrupt the consensus splice site, but this prediction has not been confirmed by published transcriptional studies. This variant has been observed in individual(s) with clinical features of STX1B-related conditions (Invitae). In at least one individual the variant was observed to be de novo. This variant is not present in population databases (ExAC no frequency). This sequence change affects a donor splice site in intron 7 of the STX1B gene. It is expected to disrupt RNA splicing. Variants that disrupt the donor or acceptor splice site typically lead to a loss of protein function (PMID: 16199547), and loss-of-function variants in STX1B are known to be pathogenic (PMID: 25362483).

Literature cited by the submitters: PubMed 16199547; PubMed 25362483.

NM_052874.5(STX1B):c.537+2T>C

Gene: STX1B (syntaxin 1B; minus strand). Cytogenetic location: 16p11.2.
Variant type: single nucleotide variant.
Coding change: c.537+2T>C on transcript NM_052874.5 (MANE Select); the canonical splice donor site of the intron after coding-DNA position 537, T replaced by C.
Molecular consequence: splice donor variant.
Genome position (GRCh38, 1-based): chr16:30,996,681, A>G on the plus strand (T>C on the coding strand, the complement: STX1B is on the minus strand). VCF-style: chr16-30996681-A-G. GRCh37 (hg19) VCF-style: chr16-31008002-A-G.
Identifiers: ClinVar variation 1066204 (VCV001066204.9), dbSNP rs1555494222, ClinGen allele CA395648634.